The following is an entry in ClinVar:

NM_001197104.2(KMT2A):c.2401C>T (p.His801Tyr)

Gene: KMT2A (lysine methyltransferase 2A; plus strand). Cytogenetic location: 11q23.3.
Variant type: single nucleotide variant.
Coding change: c.2401C>T on transcript NM_001197104.2 (MANE Select); coding-DNA position 2401, C replaced by T.
Protein change: p.His801Tyr; replaces histidine 801 with tyrosine.
Molecular consequence: missense variant.
Genome position (GRCh38, 1-based): chr11:118,473,560, C>T. VCF-style: chr11-118473560-C-T. GRCh37 (hg19) VCF-style: chr11-118344275-C-T.
Other names: c.2401C>T (NM_001197104.1); c.2401C>T, p.His801Tyr (NM_005933.4); short protein forms H801Y.
Identifiers: ClinVar variation 1478751 (VCV001478751.11), dbSNP rs375240261, ClinGen allele CA6303509.

ClinVar aggregate classification (germline): Conflicting classifications of pathogenicity. Review status: criteria provided, conflicting classifications (1 of 4 stars). 3 submissions from 3 submitters: Uncertain significance (1); Likely benign (2). Last evaluated 2026-08-01.

Conditions:
Inborn genetic diseases. Identifiers: MedGen C0950123, MeSH D030342.

Allele frequency attached by ClinVar (database versions not stated): gnomAD exomes 0.00005; ExAC 0.00007; ESP Exome Variant Server 0.00015.
gnomAD v4.1: 188 of 1,614,000 alleles (0.012%); highest among the groups gnomAD compares: Non-Finnish European, 0.015%; no homozygotes.

Submissions (3):

CeGaT Center for Human Genetics Tuebingen
Classification: Likely benign. Last evaluated: 2026-08-01. Review status: criteria provided, single submitter. Criteria: CeGaT Center For Human Genetics Tuebingen Variant Classification Criteria Version 2. Collection method: clinical testing. Allele origin: germline. Affected: yes. Observed: 1 variant allele.
Comment: KMT2A: BP4, BS2

Labcorp Genetics (formerly Invitae), Labcorp
Classification: Uncertain significance. Last evaluated: 2026-01-13. Review status: criteria provided, single submitter. Criteria: Invitae Variant Classification Sherloc (09022015). Collection method: clinical testing. Allele origin: germline.
Comment: This sequence change replaces histidine, which is basic and polar, with tyrosine, which is neutral and polar, at codon 801 of the KMT2A protein (p.His801Tyr). This variant is present in population databases (rs375240261, gnomAD 0.01%). This variant has not been reported in the literature in individuals affected with KMT2A-related conditions. ClinVar contains an entry for this variant (Variation ID: 1478751). Invitae Evidence Modeling of protein sequence and biophysical properties (such as structural, functional, and spatial information, amino acid conservation, physicochemical variation, residue mobility, and thermodynamic stability) indicates that this missense variant is not expected to disrupt KMT2A protein function with a negative predictive value of 95%. In summary, the available evidence is currently insufficient to determine the role of this variant in disease. Therefore, it has been classified as a Variant of Uncertain Significance.

Ambry Genetics
Classification: Likely benign for Inborn genetic diseases. Last evaluated: 2021-08-02. Review status: criteria provided, single submitter. Criteria: Ambry Variant Classification Scheme 2023. Collection method: clinical testing. Allele origin: germline.